The following is an entry in ClinVar:

ClinVar aggregate classification (germline): Benign. Review status: reviewed by expert panel (3 of 4 stars). 15 submissions from 15 submitters: Benign (1). 14 of the submissions do not count toward it. Last evaluated 2025-11-11.

Conditions:
MYH7-related disorder. Also called: MYH7-related condition; MYH7-related disease; MYH7-related disorders.
Cardiovascular phenotype. Identifiers: MedGen CN230736.
Cardiomyopathy (CMYO). Also called: Cardiomyopathies. Identifiers: Orphanet 167848, MedGen C0878544, MONDO:0004994, HP:0001638. Inheritance: Various modes of inheritance.
Hypertrophic cardiomyopathy. Also called: HYPERTROPHIC MYOCARDIOPATHY. Identifiers: Orphanet 217569, MedGen C0007194, MeSH D002312, MONDO:0005045, HP:0001639.

Allele frequency attached by ClinVar (database versions not stated): gnomAD exomes 0.00005 and 0.00019; ExAC 0.00017; 1000 Genomes Project 30x 0.00031; 1000 Genomes Project 0.00040; ESP Exome Variant Server 0.00062; gnomAD 0.00062 and 0.00063; TOPMed 0.00065.
gnomAD v4.1: 175 of 1,614,156 alleles (0.011%); highest among the groups gnomAD compares: African/African-American, 0.19%; 1 homozygote.

Submissions (15):

ClinGen Cardiomyopathy Variant Curation Expert Panel
Classification: Benign for Hypertrophic cardiomyopathy. Last evaluated: 2025-11-11. Review status: reviewed by expert panel. Criteria: ClinGen CMP ACMG Specifications v1. Collection method: curation. Allele origin: germline. Inheritance: Autosomal dominant inheritance.
Comment: The filtering allele frequency of the c.3156G>A (p.Lys1052=) variant in the MYH7 gene is 0.14% (21/10404) of African chromosomes by the Exome Aggregation Consortium, which is a high enough frequency to be classified as benign based on thresholds defined by the ClinGen Inherited Cardiomyopathy Expert Panel (BA1; PMID:29300372).

Labcorp Genetics (formerly Invitae), Labcorp
Classification: Benign for Hypertrophic cardiomyopathy. Last evaluated: 2026-02-01. Review status: criteria provided, single submitter. Criteria: Invitae Variant Classification Sherloc (09022015). Collection method: clinical testing. Allele origin: germline. Not counted in ClinVar's aggregate classification.

Women's Health and Genetics/Laboratory Corporation of America, LabCorp
Classification: Likely benign. Last evaluated: 2025-12-11. Review status: criteria provided, single submitter. Criteria: LabCorp Variant Classification Summary - May 2015. Collection method: clinical testing. Allele origin: germline. Not counted in ClinVar's aggregate classification.

Molecular Diagnostic Laboratory for Inherited Cardiovascular Disease, Montreal Heart Institute
Classification: Likely benign. Last evaluated: 2025-04-09. Review status: criteria provided, single submitter. Criteria: ACMG Guidelines, 2015. Collection method: clinical testing. Allele origin: germline. Affected: no. Not counted in ClinVar's aggregate classification.

Mayo Clinic Laboratories, Mayo Clinic
Classification: Likely benign. Last evaluated: 2025-02-26. Review status: criteria provided, single submitter. Criteria: ACMG Guidelines, 2015. Collection method: clinical testing. Allele origin: germline. Observed: 3 variant alleles. Not counted in ClinVar's aggregate classification.
Comment: BS1, BP4, BP7

Blueprint Genetics
Classification: Likely benign. Last evaluated: 2024-08-12. Review status: criteria provided, single submitter. Criteria: ACMG Guidelines, 2015. Collection method: clinical testing. Allele origin: germline. Not counted in ClinVar's aggregate classification.

All of Us Research Program, National Institutes of Health
Classification: Benign for Cardiomyopathy. Last evaluated: 2024-02-05. Review status: criteria provided, single submitter. Criteria: ACMG Guidelines, 2015. Collection method: clinical testing. Allele origin: germline. Inheritance: Autosomal dominant inheritance. Observed: 37 variant alleles, 37 heterozygotes. Not counted in ClinVar's aggregate classification.
Comment: This study involves interpretation of variants in research participants for the purpose of population health screening. Participant phenotype was not available at the time of variant classification. Additional details can be found in publication PMID: 35346344, PMCID: PMC8962531

Color Diagnostics, LLC DBA Color Health
Classification: Benign for Cardiomyopathy. Last evaluated: 2018-11-27. Review status: criteria provided, single submitter. Criteria: ACMG Guidelines, 2015. Collection method: clinical testing. Allele origin: germline. Not counted in ClinVar's aggregate classification.

Ambry Genetics
Classification: Likely benign for Cardiovascular phenotype. Last evaluated: 2016-06-21. Review status: criteria provided, single submitter. Criteria: Ambry Variant Classification Scheme 2023. Collection method: clinical testing. Allele origin: germline. Not counted in ClinVar's aggregate classification.

CHEO Genetics Diagnostic Laboratory, Children's Hospital of Eastern Ontario
Classification: Likely benign for Cardiomyopathy. Last evaluated: 2016-06-14. Review status: criteria provided, single submitter. Criteria: ACMG Guidelines, 2015. Collection method: clinical testing. Allele origin: germline. Study: Canadian Open Genetics Repository. Not counted in ClinVar's aggregate classification.

Laboratory for Molecular Medicine, Mass General Brigham Personalized Medicine
Classification: Likely benign. Last evaluated: 2015-03-21. Review status: criteria provided, single submitter. Criteria: LMM Criteria. Collection method: clinical testing. Allele origin: germline. Observed: 7 variant alleles. Not counted in ClinVar's aggregate classification.
Comment: p.Lys1052Lys in exon 25 of MYH7: This variant is not expected to have clinical s ignificance because it does not alter an amino acid residue and is not located w ithin the splice consensus sequence. It has been identified in 0.2% (21/10404) o f African chromosomes by the Exome Aggregation Consortium (ExAC; dbSNP rs138294643).

GeneDx
Classification: Benign. Last evaluated: 2015-03-03. Review status: criteria provided, single submitter. Criteria: GeneDx Variant Classification Process June 2021. Collection method: clinical testing. Allele origin: germline. Affected: yes. Not counted in ClinVar's aggregate classification.

PreventionGenetics, part of Exact Sciences
Classification: Likely benign for MYH7-related condition. Last evaluated: 2020-02-26. Review status: no assertion criteria provided. Collection method: clinical testing. Allele origin: germline. Not counted in ClinVar's aggregate classification.
Comment: This variant is classified as likely benign based on ACMG/AMP sequence variant interpretation guidelines (Richards et al. 2015 PMID: 25741868, with internal and published modifications).

Clinical Genetics, Academic Medical Center
Classification: Benign. Review status: no assertion criteria provided. Collection method: clinical testing. Allele origin: germline. Affected: yes. Study: VKGL Data-share Consensus. Not counted in ClinVar's aggregate classification.

Joint Genome Diagnostic Labs from Nijmegen and Maastricht, Radboudumc and MUMC+
Classification: Likely benign. Review status: no assertion criteria provided. Collection method: clinical testing. Allele origin: germline. Affected: yes. Study: VKGL Data-share Consensus. Not counted in ClinVar's aggregate classification.

Literature cited by the submitters: PubMed 29300372 (cited by ClinGen Cardiomyopathy Variant Curation Expert Panel).

NM_000257.4(MYH7):c.3156G>A (p.Lys1052=)

Gene: MYH7 (myosin heavy chain 7; minus strand). Cytogenetic location: 14q11.2.
Variant type: single nucleotide variant.
Coding change: c.3156G>A on transcript NM_000257.4 (MANE Select); coding-DNA position 3156, G replaced by A.
Protein change: p.Lys1052=; no amino-acid change (lysine 1052 retained).
Molecular consequence: synonymous variant.
Genome position (GRCh38, 1-based): chr14:23,422,269, C>T on the plus strand (G>A on the coding strand, the complement: MYH7 is on the minus strand). VCF-style: chr14-23422269-C-T. GRCh37 (hg19) VCF-style: chr14-23891478-C-T.
Other names: NM_000257.3(MYH7):c.3156G>A.
Identifiers: ClinVar variation 42949 (VCV000042949.35), dbSNP rs138294643, ClinGen allele CA013406.